The following is an entry in ClinVar:

NM_032043.3(BRIP1):c.814C>T (p.Pro272Ser)

Gene: BRIP1 (BRCA1 interacting DNA helicase 1; minus strand). Cytogenetic location: 17q23.2.
Variant type: single nucleotide variant.
Coding change: c.814C>T on transcript NM_032043.3 (MANE Select); coding-DNA position 814, C replaced by T.
Protein change: p.Pro272Ser; replaces proline 272 with serine.
Molecular consequence: missense variant.
Genome position (GRCh38, 1-based): chr17:61,808,571, G>A on the plus strand (C>T on the coding strand, the complement: BRIP1 is on the minus strand). VCF-style: chr17-61808571-G-A. GRCh37 (hg19) VCF-style: chr17-59885932-G-A.
Other names: short protein forms P272S.
Identifiers: ClinVar variation 3373620 (VCV003373620.4).

ClinVar aggregate classification (germline): Uncertain significance. Review status: criteria provided, multiple submitters, no conflicts (2 of 4 stars). 3 submissions from 3 submitters: Uncertain significance (3). Last evaluated 2026-07-06.

Conditions:
Familial cancer of breast. Also called: Hereditary breast cancer; BREAST CANCER, FAMILIAL; hereditary breast carcinoma. Identifiers: Orphanet 227535, MedGen C0346153, MONDO:0016419, OMIM 114480. Disease mechanism: loss of function.
Fanconi anemia complementation group J. Also called: BRIP1-Related Fanconi Anemia. Identifiers: Orphanet 84, MedGen C1836860, MONDO:0012187, OMIM 609054.
Hereditary cancer-predisposing syndrome. Also called: Tumor predisposition; Hereditary Cancer Syndrome; Hereditary neoplastic syndrome; Neoplastic Syndromes, Hereditary. Identifiers: Orphanet 140162, MedGen C0027672, MeSH D009386, MONDO:0015356.

Submissions (3):

Ambry Genetics
Classification: Uncertain significance for Hereditary cancer-predisposing syndrome. Last evaluated: 2026-07-06. Review status: criteria provided, single submitter. Criteria: Ambry Variant Classification Scheme 2023. Collection method: clinical testing. Allele origin: germline.
Comment: The p.P272S variant (also known as c.814C>T), located in coding exon 6 of the BRIP1 gene, results from a C to T substitution at nucleotide position 814. The proline at codon 272 is replaced by serine, an amino acid with similar properties. This amino acid position is conserved. In addition, this alteration is predicted to be tolerated by in silico analysis. Based on the available evidence, the clinical significance of this variant remains unclear.

Labcorp Genetics (formerly Invitae), Labcorp
Classification: Uncertain significance for Familial cancer of breast; Fanconi anemia complementation group J. Last evaluated: 2024-04-03. Review status: criteria provided, single submitter. Criteria: Invitae Variant Classification Sherloc (09022015). Collection method: clinical testing. Allele origin: germline.
Comment: This sequence change replaces proline, which is neutral and non-polar, with serine, which is neutral and polar, at codon 272 of the BRIP1 protein (p.Pro272Ser). This variant is not present in population databases (gnomAD no frequency). This variant has not been reported in the literature in individuals affected with BRIP1-related conditions. Advanced modeling of protein sequence and biophysical properties (such as structural, functional, and spatial information, amino acid conservation, physicochemical variation, residue mobility, and thermodynamic stability) performed at Invitae indicates that this missense variant is not expected to disrupt BRIP1 protein function with a negative predictive value of 80%. In summary, the available evidence is currently insufficient to determine the role of this variant in disease. Therefore, it has been classified as a Variant of Uncertain Significance.

GeneDx
Classification: Uncertain significance. Last evaluated: 2024-03-03. Review status: criteria provided, single submitter. Criteria: GeneDx Variant Classification Process June 2021. Collection method: clinical testing. Allele origin: germline. Affected: yes.
Comment: Not observed at significant frequency in large population cohorts (gnomAD); In silico analysis supports that this missense variant has a deleterious effect on protein structure/function; Has not been previously published as pathogenic or benign to our knowledge